The following is an entry in ClinVar:

NM_001927.4(DES):c.185G>C (p.Gly62Ala)

Gene: DES (desmin; plus strand). Cytogenetic location: 2q35.
Variant type: single nucleotide variant.
Coding change: c.185G>C on transcript NM_001927.4 (MANE Select); coding-DNA position 185, G replaced by C.
Protein change: p.Gly62Ala; replaces glycine 62 with alanine.
Molecular consequence: missense variant.
Genome position (GRCh38, 1-based): chr2:219,418,647, G>C. VCF-style: chr2-219418647-G-C. GRCh37 (hg19) VCF-style: chr2-220283369-G-C.
Other names: c.185G>C, p.Gly62Ala (NM_001382708.1, NM_001382709.1, NM_001382710.1 and 3 more transcripts); short protein forms G62A.
Identifiers: ClinVar variation 3747941 (VCV003747941.2).

ClinVar aggregate classification (germline): Uncertain significance (1 of 4 stars; one submission).

Conditions:
Desmin-related myofibrillar myopathy (MFM1). Also called: Desminopathy; MYOFIBRILLAR MYOPATHY WITH ARRHYTHMOGENIC RIGHT VENTRICULAR CARDIOMYOPATHY; Myofibrillar myopathy 1; Desmin related myopathy (former name); Desmin storage myopathy (former name); DESMIN-RELATED MYOPATHY WITH ARRHYTHMOGENIC RIGHT VENTRICULAR CARDIOMYOPATHY. Identifiers: Orphanet 363543, Orphanet 98909, MedGen C1832370, MONDO:0011076, OMIM 601419.

gnomAD v4.1: 1 of 1,595,722 alleles (0.000063%); highest among the groups gnomAD compares: African/African-American, 0.0013%; no homozygotes.

Submission:

Labcorp Genetics (formerly Invitae), Labcorp
Classification: Uncertain significance for Desmin-related myofibrillar myopathy. Last evaluated: 2024-09-18. Review status: criteria provided, single submitter. Criteria: Invitae Variant Classification Sherloc (09022015). Collection method: clinical testing. Allele origin: germline.
Comment: This sequence change replaces glycine, which is neutral and non-polar, with alanine, which is neutral and non-polar, at codon 62 of the DES protein (p.Gly62Ala). This variant is not present in population databases (gnomAD no frequency). This variant has not been reported in the literature in individuals affected with DES-related conditions. Invitae Evidence Modeling of protein sequence and biophysical properties (such as structural, functional, and spatial information, amino acid conservation, physicochemical variation, residue mobility, and thermodynamic stability) indicates that this missense variant is not expected to disrupt DES protein function with a negative predictive value of 80%. In summary, the available evidence is currently insufficient to determine the role of this variant in disease. Therefore, it has been classified as a Variant of Uncertain Significance.